The following is an entry in ClinVar:

NM_004523.4(KIF11):c.2383G>T (p.Glu795Ter)

Gene: KIF11 (kinesin family member 11; plus strand). Cytogenetic location: 10q23.33.
Variant type: single nucleotide variant.
Coding change: c.2383G>T on transcript NM_004523.4 (MANE Select); coding-DNA position 2383, G replaced by T.
Protein change: p.Glu795Ter; replaces glutamic acid 795 with a stop codon.
Molecular consequence: nonsense.
Genome position (GRCh38, 1-based): chr10:92,645,478, G>T. VCF-style: chr10-92645478-G-T. GRCh37 (hg19) VCF-style: chr10-94405235-G-T.
Other names: short protein forms E795*.
Identifiers: ClinVar variation 4729967 (VCV004729967.1).

ClinVar aggregate classification (germline): Pathogenic (1 of 4 stars; one submission).

Submission:

Labcorp Genetics (formerly Invitae), Labcorp
Classification: Pathogenic. Last evaluated: 2025-11-02. Review status: criteria provided, single submitter. Criteria: Invitae Variant Classification Sherloc (09022015). Collection method: clinical testing. Allele origin: germline.
Comment: This sequence change creates a premature translational stop signal (p.Glu795*) in the KIF11 gene. It is expected to result in an absent or disrupted protein product. Loss-of-function variants in KIF11 are known to be pathogenic (PMID: 22284827, 24281367). This variant is not present in population databases (gnomAD no frequency). This variant has not been reported in the literature in individuals affected with KIF11-related conditions. For these reasons, this variant has been classified as Pathogenic.

Literature cited by the submitters: PubMed 22284827; PubMed 24281367.